The following is an entry in ClinVar:

NM_016203.4(PRKAG2):c.390C>G (p.Ser130=)

Gene: PRKAG2 (protein kinase AMP-activated non-catalytic subunit gamma 2; minus strand). Cytogenetic location: 7q36.1.
Variant type: single nucleotide variant.
Coding change: c.390C>G on transcript NM_016203.4 (MANE Select); coding-DNA position 390, C replaced by G.
Protein change: p.Ser130=; no amino-acid change (serine 130 retained).
Molecular consequence: synonymous variant.
Genome position (GRCh38, 1-based): chr7:151,781,228, G>C on the plus strand (C>G on the coding strand, the complement: PRKAG2 is on the minus strand). VCF-style: chr7-151781228-G-C. GRCh37 (hg19) VCF-style: chr7-151478314-G-C.
Other names: c.258C>G, p.Ser86= (NM_001040633.2).
Identifiers: ClinVar variation 1332582 (VCV001332582.11), dbSNP rs1400706351, ClinGen allele CA458884139.

ClinVar aggregate classification (germline): Likely benign. Review status: criteria provided, multiple submitters, no conflicts (2 of 4 stars). 3 submissions from 3 submitters: Likely benign (3). Last evaluated 2023-06-26.

Conditions:
Cardiomyopathy (CMYO). Also called: Cardiomyopathies. Identifiers: Orphanet 167848, MedGen C0878544, MONDO:0004994, HP:0001638. Inheritance: Various modes of inheritance.
Lethal congenital glycogen storage disease of heart. Also called: PHOSPHORYLASE KINASE DEFICIENCY OF HEART; GLYCOGEN STORAGE DISEASE OF HEART. Identifiers: Orphanet 439854, MedGen C1849813, MONDO:0009867, OMIM 261740.
Hypertrophic cardiomyopathy. Also called: HYPERTROPHIC MYOCARDIOPATHY. Identifiers: Orphanet 217569, MedGen C0007194, MeSH D002312, MONDO:0005045, HP:0001639.

Allele frequency attached by ClinVar (database versions not stated): gnomAD exomes below 0.00001; gnomAD 0.00001.
gnomAD v4.1: 3 of 1,613,988 alleles (0.00019%); highest among the groups gnomAD compares: Non-Finnish European, 0.00025%; no homozygotes.

Submissions (3):

All of Us Research Program, National Institutes of Health
Classification: Likely benign for Hypertrophic cardiomyopathy. Last evaluated: 2023-06-26. Review status: criteria provided, single submitter. Criteria: ACMG Guidelines, 2015. Collection method: clinical testing. Allele origin: germline. Inheritance: Autosomal dominant inheritance. Observed: 1 variant allele, 1 heterozygote.
Comment: This study involves interpretation of variants in research participants for the purpose of population health screening. Participant phenotype was not available at the time of variant classification. Additional details can be found in publication PMID: 35346344, PMCID: PMC8962531

Labcorp Genetics (formerly Invitae), Labcorp
Classification: Likely benign for Lethal congenital glycogen storage disease of heart. Last evaluated: 2021-08-18. Review status: criteria provided, single submitter. Criteria: Invitae Variant Classification Sherloc (09022015). Collection method: clinical testing. Allele origin: germline.

Color Diagnostics, LLC DBA Color Health
Classification: Likely benign for Cardiomyopathy. Last evaluated: 2021-04-14. Review status: criteria provided, single submitter. Criteria: ACMG Guidelines, 2015. Collection method: clinical testing. Allele origin: germline.